The following is an entry in ClinVar:

NM_015697.9(COQ2):c.115A>T (p.Thr39Ser)

Genes: COQ2 (coenzyme Q2, polyprenyltransferase; minus strand), LOC112997540 (Sharpr-MPRA regulatory region 13773; plus strand). Cytogenetic location: 4q21.23.
Variant type: single nucleotide variant.
Coding change: c.115A>T on transcript NM_015697.9; coding-DNA position 115, A replaced by T.
Protein change: p.Thr39Ser; replaces threonine 39 with serine.
Molecular consequence: missense variant.
Genome position (GRCh38, 1-based): chr4:83,284,800, T>A on the plus strand (A>T on the coding strand, the complement: COQ2 is on the minus strand). VCF-style: chr4-83284800-T-A. GRCh37 (hg19) VCF-style: chr4-84205953-T-A.
Other names: short protein forms T39S.
Identifiers: ClinVar variation 1184489 (VCV001184489.9), dbSNP rs369705200, ClinGen allele CA100656731.

ClinVar aggregate classification (germline): Uncertain significance. Review status: criteria provided, multiple submitters, no conflicts (2 of 4 stars). 3 submissions from 3 submitters: Uncertain significance (2). 1 of the submissions does not count toward it. Last evaluated 2022-08-10.

Conditions:
Inborn genetic diseases. Identifiers: MedGen C0950123, MeSH D030342.
Coenzyme Q10 deficiency, primary, 1. Also called: UBIQUINONE DEFICIENCY 1; COENZYME Q DEFICIENCY 1; CoQ DEFICIENCY 1. Identifiers: Orphanet 255249, MedGen C3551954, MONDO:0011829, OMIM 607426.

Allele frequency attached by ClinVar (database versions not stated): gnomAD exomes 0.00002 and 0.00001; TOPMed 0.00003; gnomAD 0.00001 and 0.00002; ESP Exome Variant Server 0.00008.
gnomAD v4.1: 20 of 1,569,982 alleles (0.0013%); highest among the groups gnomAD compares: African/African-American, 0.0027%; no homozygotes.

Submissions (3):

Labcorp Genetics (formerly Invitae), Labcorp
Classification: Uncertain significance. Last evaluated: 2022-08-10. Review status: criteria provided, single submitter. Criteria: Invitae Variant Classification Sherloc (09022015). Collection method: clinical testing. Allele origin: germline.
Comment: This sequence change replaces threonine, which is neutral and polar, with serine, which is neutral and polar, at codon 39 of the COQ2 protein (p.Thr39Ser). The frequency data for this variant in the population databases is considered unreliable, as metrics indicate poor data quality at this position in the gnomAD database. This variant has not been reported in the literature in individuals affected with COQ2-related conditions. ClinVar contains an entry for this variant (Variation ID: 1184489). Algorithms developed to predict the effect of missense changes on protein structure and function are either unavailable or do not agree on the potential impact of this missense change (SIFT: "Deleterious"; PolyPhen-2: "Benign"; Align-GVGD: "Class C0"). In summary, the available evidence is currently insufficient to determine the role of this variant in disease. Therefore, it has been classified as a Variant of Uncertain Significance.

Ambry Genetics
Classification: Uncertain significance for Inborn genetic diseases. Last evaluated: 2022-04-06. Review status: criteria provided, single submitter. Criteria: Ambry Variant Classification Scheme 2023. Collection method: clinical testing. Allele origin: germline.

Genomics England Pilot Project, Genomics England
Classification: Likely pathogenic for Coenzyme Q10 deficiency, primary, 1. Review status: no assertion criteria provided. Criteria: ACGS Guidelines, 2016. Collection method: clinical testing. Allele origin: germline. Affected: yes. Not counted in ClinVar's aggregate classification.